The following is an entry in ClinVar:

NM_005751.5(AKAP9):c.3075C>T (p.Thr1025=)

Gene: AKAP9 (A-kinase anchoring protein 9; plus strand). Cytogenetic location: 7q21.2.
Variant type: single nucleotide variant.
Coding change: c.3075C>T on transcript NM_005751.5 (MANE Select); coding-DNA position 3075, C replaced by T.
Protein change: p.Thr1025=; no amino-acid change (threonine 1025 retained).
Molecular consequence: synonymous variant.
Genome position (GRCh38, 1-based): chr7:92,002,992, C>T. VCF-style: chr7-92002992-C-T. GRCh37 (hg19) VCF-style: chr7-91632306-C-T.
Other names: p.T1025T:ACC>ACT; p.Thr1025=; c.3075C>T, p.Thr1025= (NM_147185.3).
Identifiers: ClinVar variation 136349 (VCV000136349.32), dbSNP rs1989779, ClinGen allele CA163166.

ClinVar aggregate classification (germline): Benign/Likely benign. Review status: criteria provided, multiple submitters, no conflicts (2 of 4 stars). 12 submissions from 12 submitters: Benign (9); Likely benign (1). 2 of the submissions do not count toward it. Last evaluated 2026-02-04.

Conditions:
Cardiovascular phenotype. Identifiers: MedGen CN230736.
Long QT syndrome (LQTS). Identifiers: MedGen C0023976, MeSH D008133, MONDO:0002442. Disease mechanism: loss of function. Inheritance: Various modes of inheritance.
Long QT syndrome 11 (LQT11). Identifiers: Orphanet 101016, Orphanet 768, MedGen C2678483, MONDO:0012738, OMIM 611820.

Allele frequency attached by ClinVar (database versions not stated): gnomAD exomes 0.87142 and 0.89316; ExAC 0.89239; gnomAD 0.90157 and 0.90225; ESP Exome Variant Server 0.90635; TOPMed 0.91130; 1000 Genomes Project 0.93590; 1000 Genomes Project 30x 0.93816.
gnomAD v4.1: 1,410,529 of 1,613,322 alleles (87%); highest among the groups gnomAD compares: East Asian, 98%; 617,647 homozygotes.

Submissions (12):

Labcorp Genetics (formerly Invitae), Labcorp
Classification: Benign for Long QT syndrome. Last evaluated: 2026-02-04. Review status: criteria provided, single submitter. Criteria: Invitae Variant Classification Sherloc (09022015). Collection method: clinical testing. Allele origin: germline.

Blueprint Genetics
Classification: Benign. Last evaluated: 2024-11-27. Review status: criteria provided, single submitter. Criteria: ACMG Guidelines, 2015. Collection method: clinical testing. Allele origin: germline.

Genome-Nilou Lab
Classification: Benign for Long QT syndrome 11. Last evaluated: 2021-12-05. Review status: criteria provided, single submitter. Criteria: ACMG Guidelines, 2015. Collection method: clinical testing. Allele origin: germline. Affected: no.

Women's Health and Genetics/Laboratory Corporation of America, LabCorp
Classification: Benign. Last evaluated: 2019-08-09. Review status: criteria provided, single submitter. Criteria: LabCorp Variant Classification Summary - May 2015. Collection method: clinical testing. Allele origin: germline.

Ambry Genetics
Classification: Benign for Cardiovascular phenotype. Last evaluated: 2015-03-09. Review status: criteria provided, single submitter. Criteria: Ambry Variant Classification Scheme 2023. Collection method: clinical testing. Allele origin: germline.

Eurofins Ntd Llc (ga)
Classification: Benign. Last evaluated: 2015-01-04. Review status: criteria provided, single submitter. Criteria: EGL Classification Definitions 2015. Collection method: clinical testing. Allele origin: germline. Observed: 2 variant alleles, 2 homozygotes.

Mayo Clinic Laboratories, Mayo Clinic
Classification: Benign. Last evaluated: 2014-12-10. Review status: criteria provided, single submitter. Criteria: ACMG Guidelines, 2015. Collection method: clinical testing. Allele origin: germline. Observed: 389 variant alleles.

GeneDx
Classification: Benign. Last evaluated: 2011-07-10. Review status: criteria provided, single submitter. Criteria: GeneDx Variant Classification (06012015). Collection method: clinical testing. Allele origin: germline. Affected: yes.
Comment: This variant is considered likely benign or benign based on one or more of the following criteria: it is a conservative change, it occurs at a poorly conserved position in the protein, it is predicted to be benign by multiple in silico algorithms, and/or has population frequency not consistent with disease.

Breakthrough Genomics
Classification: Likely benign. Review status: criteria provided, single submitter. Criteria: ACMG Guidelines, 2015. Collection method: not provided. Allele origin: germline. Inheritance: Autosomal dominant inheritance. Affected: yes.

PreventionGenetics, part of Exact Sciences
Classification: Benign. Review status: criteria provided, single submitter. Criteria: ACMG Guidelines, 2015. Collection method: clinical testing. Allele origin: germline.

Clinical Genetics, Academic Medical Center
Classification: Benign. Review status: no assertion criteria provided. Collection method: clinical testing. Allele origin: germline. Affected: yes. Study: VKGL Data-share Consensus. Not counted in ClinVar's aggregate classification.

Diagnostic Laboratory, Department of Genetics, University Medical Center Groningen
Classification: Benign for Long QT syndrome 11. Review status: no assertion criteria provided. Collection method: clinical testing. Allele origin: germline. Affected: yes. Study: VKGL Data-share Consensus. Not counted in ClinVar's aggregate classification.